The following is an entry in ClinVar:

ClinVar aggregate classification (germline): Uncertain significance (1 of 4 stars; one submission).

Allele frequency attached by ClinVar (database versions not stated): ExAC 0.00004; gnomAD exomes 0.00004 and 0.00022; gnomAD 0.00007 and 0.00008; TOPMed 0.00008.
gnomAD v4.1: 327 of 1,614,088 alleles (0.02%); highest among the groups gnomAD compares: Non-Finnish European, 0.027%; 1 homozygote.

Submission:

Labcorp Genetics (formerly Invitae), Labcorp
Classification: Uncertain significance. Last evaluated: 2023-10-30. Review status: criteria provided, single submitter. Criteria: Invitae Variant Classification Sherloc (09022015). Collection method: clinical testing. Allele origin: germline.
Comment: This sequence change replaces alanine, which is neutral and non-polar, with threonine, which is neutral and polar, at codon 37 of the ERCC3 protein (p.Ala37Thr). This variant is present in population databases (rs773797861, gnomAD 0.009%). This variant has not been reported in the literature in individuals affected with ERCC3-related conditions. ClinVar contains an entry for this variant (Variation ID: 1345816). An algorithm developed to predict the effect of missense changes on protein structure and function (PolyPhen-2) suggests that this variant¬†is likely to be tolerated. In summary, the available evidence is currently insufficient to determine the role of this variant in disease. Therefore, it has been classified as a Variant of Uncertain Significance.

NM_000122.2(ERCC3):c.109G>A (p.Ala37Thr)

Gene: ERCC3 (ERCC excision repair 3, TFIIH core complex helicase subunit; minus strand). Cytogenetic location: 2q14.3.
Variant type: single nucleotide variant.
Coding change: c.109G>A on transcript NM_000122.2 (MANE Select); coding-DNA position 109, G replaced by A.
Protein change: p.Ala37Thr; replaces alanine 37 with threonine.
Molecular consequence: missense variant. On other transcripts: 5 prime UTR variant (2).
Genome position (GRCh38, 1-based): chr2:127,293,638, C>T on the plus strand (G>A on the coding strand, the complement: ERCC3 is on the minus strand). VCF-style: chr2-127293638-C-T. GRCh37 (hg19) VCF-style: chr2-128051214-C-T.
Other names: c.-84G>A (NM_001303416.2, NM_001303418.2); short protein forms A37T.
Identifiers: ClinVar variation 1345816 (VCV001345816.4), dbSNP rs773797861, ClinGen allele CA1858623.